The following is an entry in ClinVar:

ClinVar aggregate classification (germline): Likely benign (0 of 4 stars; one submission).

Conditions:
MGP-related disorder. Also called: MGP-related condition.

Allele frequency attached by ClinVar (database versions not stated): ExAC 0.00009; gnomAD 0.00021; TOPMed 0.00026; ESP Exome Variant Server 0.00031.
gnomAD v4.1: 75 of 1,613,562 alleles (0.0046%); highest among the groups gnomAD compares: African/African-American, 0.077%; no homozygotes.

Submission:

PreventionGenetics, part of Exact Sciences
Classification: Likely benign for MGP-related condition. Last evaluated: 2019-09-05. Review status: no assertion criteria provided. Collection method: clinical testing. Allele origin: germline.
Comment: This variant is classified as likely benign based on ACMG/AMP sequence variant interpretation guidelines (Richards et al. 2015 PMID: 25741868, with internal and published modifications).

NM_000900.5(MGP):c.-6G>A

Gene: MGP (matrix Gla protein; minus strand). Cytogenetic location: 12p12.3.
Variant type: single nucleotide variant.
Coding change: c.-6G>A on transcript NM_000900.5 (MANE Select); 6 bases upstream of the start codon, G replaced by A.
Molecular consequence: 5 prime UTR variant.
Genome position (GRCh38, 1-based): chr12:14,885,797, C>T on the plus strand (G>A on the coding strand, the complement: MGP is on the minus strand). VCF-style: chr12-14885797-C-T. GRCh37 (hg19) VCF-style: chr12-15038731-C-T.
Other names: c.-6G>A (NM_001190839.3).
Identifiers: ClinVar variation 3053091 (VCV003053091.2), dbSNP rs371429849, ClinGen allele CA6465241.